The following is an entry in ClinVar:

ClinVar aggregate classification (germline): Likely benign (1 of 4 stars; one submission).

Conditions:
GNAS-related disorder. Identifiers: MedGen CN380105.

Submission:

PreventionGenetics, part of Exact Sciences
Classification: Likely benign for GNAS-related condition. Last evaluated: 2025-10-17. Review status: criteria provided, single submitter. Criteria: ACMG Guidelines, 2015. Collection method: clinical testing. Allele origin: germline.
Comment: This variant is classified as likely benign based on ACMG/AMP sequence variant interpretation guidelines (Richards et al. 2015 PMID: 25741868, with internal and published modifications).

NM_000516.7(GNAS):c.-30_-7del

Gene: GNAS (GNAS complex locus; plus strand). Cytogenetic location: 20q13.32.
Variant type: Deletion.
Coding change: c.-30_-7del on transcript NM_000516.7 (MANE Select); 30 bases upstream of the start codon through 7 bases upstream of the start codon, 24 bases deleted (CGGCCGCGCCCCGCCGCCGCCGCC).
Molecular consequence: 5 prime UTR variant. On other transcripts: intron variant (11).
Genome position (GRCh38, 1-based): chr20:58,891,697-58,891,720, CGGCCGCGCCCCGCCGCCGCCGCC deleted; deleting any 24 consecutive bases within chr20:58,891,694-58,891,720 gives the same sequence; the c. name uses the placement nearest the transcript's 3' end. VCF-style (leftmost placement, unchanged base first): chr20-58891693-AGCCCGGCCGCGCCCCGCCGCCGCC-A. GRCh37 (hg19) VCF-style: chr20-57466748-AGCCCGGCCGCGCCCCGCCGCCGCC-A.
Other names: c.-30_-7del (NM_001077488.5, NM_001077489.4, NM_001309842.2 and 1 more transcripts); c.*43-3915_*43-3892del (NM_016592.5); c.44-3915_44-3892del (NM_001410912.1); c.-38-3915_-38-3892del (NM_001309861.2); c.*1-3915_*1-3892del (NM_001077490.3); c.2069-3915_2069-3892del (NM_080425.4, NM_001410913.1); c.*159-3915_*159-3892del (NM_001309883.1); c.-39+2344_-39+2367del (NM_001438273.1, NM_001309840.2); and 1 more.
Identifiers: ClinVar variation 4982460 (VCV004982460.1).